The following is an entry in ClinVar:

NM_001330360.2(POLA1):c.2378G>A (p.Arg793His)

Gene: POLA1 (DNA polymerase alpha 1, catalytic subunit; plus strand). Cytogenetic location: Xp22.11.
Variant type: single nucleotide variant.
Coding change: c.2378G>A on transcript NM_001330360.2 (MANE Select); coding-DNA position 2378, G replaced by A.
Protein change: p.Arg793His; replaces arginine 793 with histidine.
Molecular consequence: missense variant. On other transcripts: non-coding transcript variant (1).
Genome position (GRCh38, 1-based): chrX:24,742,033, G>A. VCF-style: chrX-24742033-G-A. GRCh37 (hg19) VCF-style: chrX-24760150-G-A.
Other names: c.2303G>A, p.Arg768His (NM_001378303.1); c.2360G>A, p.Arg787His (NM_016937.4); short protein forms R768H, R787H, R793H.
Identifiers: ClinVar variation 2414727 (VCV002414727.6), dbSNP rs755291632, ClinGen allele CA10373160.

ClinVar aggregate classification (germline): Uncertain significance (1 of 4 stars; one submission).

Allele frequency attached by ClinVar (database versions not stated): ExAC 0.00001; gnomAD 0.00001; TOPMed 0.00002.
gnomAD v4.1: 9 of 1,200,594 alleles (0.00075%); highest among the groups gnomAD compares: East Asian, 0.018%; no homozygotes.

Submission:

Labcorp Genetics (formerly Invitae), Labcorp
Classification: Uncertain significance. Last evaluated: 2022-06-01. Review status: criteria provided, single submitter. Criteria: Invitae Variant Classification Sherloc (09022015). Collection method: clinical testing. Allele origin: germline.
Comment: This sequence change replaces arginine, which is basic and polar, with histidine, which is basic and polar, at codon 787 of the POLA1 protein (p.Arg787His). This variant is present in population databases (rs755291632, gnomAD 0.03%), including at least one homozygous and/or hemizygous individual. This variant has not been reported in the literature in individuals affected with POLA1-related conditions. Algorithms developed to predict the effect of missense changes on protein structure and function (SIFT, PolyPhen-2, Align-GVGD) all suggest that this variant is likely to be disruptive. In summary, the available evidence is currently insufficient to determine the role of this variant in disease. Therefore, it has been classified as a Variant of Uncertain Significance.